The following is an entry in ClinVar:

ClinVar aggregate classification (germline): Uncertain significance. Review status: criteria provided, multiple submitters, no conflicts (2 of 4 stars). 4 submissions from 4 submitters: Uncertain significance (4). Last evaluated 2026-02-26.

Conditions:
Inherited obesity. Also called: Monogenic Obesity. Identifiers: Orphanet 77828, MedGen C4054476, MONDO:0019182, OMIM 601665.
Arterial calcification, generalized, of infancy, 1 (GACI1). Also called: Idiopathic Infantile Arterial Calcification. Identifiers: Orphanet 51608, MedGen C4551985, MONDO:0008817, OMIM 208000.
Type 2 diabetes mellitus. Also called: Type II diabetes mellitus. Identifiers: MedGen C0011860, MeSH D003924, MONDO:0005148, OMIM 125853, HP:0005978.
Hypopigmentation-punctate palmoplantar keratoderma syndrome. Also called: GUTTATE HYPOPIGMENTATION AND PUNCTATE PALMOPLANTAR KERATODERMA WITH OR WITHOUT ECTOPIC CALCIFICATION; Cole disease. Identifiers: Orphanet 324561, MedGen C3809781, MONDO:0014227, OMIM 615522.
Hypophosphatemic rickets, autosomal recessive, 2 (ARHR2). Identifiers: Orphanet 289176, MedGen C2750078, MONDO:0013219, OMIM 613312.

Allele frequency attached by ClinVar (database versions not stated): ESP Exome Variant Server 0.00008; gnomAD 0.00011; gnomAD exomes 0.00011; TOPMed 0.00011; 1000 Genomes Project 30x 0.00016; ExAC 0.00017; 1000 Genomes Project 0.00020.
gnomAD v4.1: 174 of 1,613,148 alleles (0.011%); highest among the groups gnomAD compares: Non-Finnish European, 0.014%; no homozygotes.

Submissions (4):

Women's Health and Genetics/Laboratory Corporation of America, LabCorp
Classification: Uncertain significance. Last evaluated: 2026-02-26. Review status: criteria provided, single submitter. Criteria: LabCorp Variant Classification Summary - May 2015. Collection method: clinical testing. Allele origin: germline.
Comment: Variant summary: ENPP1 c.1405T>C (p.Phe469Leu) results in a non-conservative amino acid change in the encoded protein sequence. Algorithms developed to predict the effect of missense changes on protein structure and function are either unavailable or do not agree on the potential impact of this missense change. Consensus agreement among computation tools predict no significant impact on normal splicing. However, these predictions have yet to be confirmed by functional studies. The variant allele was found at a frequency of 0.00014 in 250920 control chromosomes. This frequency is not significantly higher than estimated for disease-causing variants in ENPP1, allowing no conclusion about variant significance. To our knowledge, no occurrence of c.1405T>C in individuals affected with ENPP1-related conditions and no experimental evidence demonstrating its impact on protein function have been reported. ClinVar contains an entry for this variant (Variation ID: 2158527). Based on the evidence outlined above, the variant was classified as uncertain significance.

Labcorp Genetics (formerly Invitae), Labcorp
Classification: Uncertain significance. Last evaluated: 2025-03-05. Review status: criteria provided, single submitter. Criteria: Invitae Variant Classification Sherloc (09022015). Collection method: clinical testing. Allele origin: germline.
Comment: This sequence change replaces phenylalanine, which is neutral and non-polar, with leucine, which is neutral and non-polar, at codon 469 of the ENPP1 protein (p.Phe469Leu). This variant is present in population databases (rs144560255, gnomAD 0.03%). This variant has not been reported in the literature in individuals affected with ENPP1-related conditions. ClinVar contains an entry for this variant (Variation ID: 2158527). An algorithm developed to predict the effect of missense changes on protein structure and function (PolyPhen-2) suggests that this variant is likely to be tolerated. In summary, the available evidence is currently insufficient to determine the role of this variant in disease. Therefore, it has been classified as a Variant of Uncertain Significance.

Blueprint Genetics
Classification: Uncertain significance. Last evaluated: 2024-10-09. Review status: criteria provided, single submitter. Criteria: ACMG Guidelines, 2015. Collection method: clinical testing. Allele origin: germline.

Fulgent Genetics
Classification: Uncertain significance for Type 2 diabetes mellitus; Arterial calcification, generalized, of infancy, 1; Inherited obesity; Hypophosphatemic rickets, autosomal recessive, 2; Hypopigmentation-punctate palmoplantar keratoderma syndrome. Last evaluated: 2024-01-08. Review status: criteria provided, single submitter. Criteria: ACMG Guidelines, 2015. Collection method: clinical testing. Allele origin: germline.

NM_006208.3(ENPP1):c.1405T>C (p.Phe469Leu)

Gene: ENPP1 (ectonucleotide pyrophosphatase/phosphodiesterase 1; plus strand). Cytogenetic location: 6q23.2.
Variant type: single nucleotide variant.
Coding change: c.1405T>C on transcript NM_006208.3 (MANE Select); coding-DNA position 1405, T replaced by C.
Protein change: p.Phe469Leu; replaces phenylalanine 469 with leucine.
Molecular consequence: missense variant.
Genome position (GRCh38, 1-based): chr6:131,869,489, T>C. VCF-style: chr6-131869489-T-C. GRCh37 (hg19) VCF-style: chr6-132190629-T-C.
Other names: short protein forms F469L.
Identifiers: ClinVar variation 2158527 (VCV002158527.7), dbSNP rs144560255, ClinGen allele CA4002182.